The following is an entry in ClinVar:

NM_001065.4(TNFRSF1A):c.632_633delinsAG (p.Thr211Lys)

Gene: TNFRSF1A (TNF receptor superfamily member 1A; minus strand). Cytogenetic location: 12p13.31.
Variant type: Indel.
Coding change: c.632_633delinsAG on transcript NM_001065.4 (MANE Select); coding-DNA positions 632 to 633, CA replaced by AG.
Protein change: p.Thr211Lys; replaces threonine 211 with lysine.
Molecular consequence: missense variant. On other transcripts: non-coding transcript variant (1).
Genome position (GRCh38, 1-based): chr12:6,330,704-6,330,705, TG replaced by CT on the plus strand (CA replaced by AG on the coding strand, the reverse complement: TNFRSF1A is on the minus strand). VCF-style: chr12-6330704-TG-CT. GRCh37 (hg19) VCF-style: chr12-6439870-TG-CT.
Other names: c.308_309delinsAG, p.Thr103Lys (NM_001346091.2); c.173_174delinsAG, p.Thr58Lys (NM_001346092.2); short protein forms T103K, T211K, T58K.
Identifiers: ClinVar variation 1004144 (VCV001004144.7), dbSNP rs1948038834, ClinGen allele CA2014024052.

ClinVar aggregate classification (germline): Uncertain significance (1 of 4 stars; one submission).

Conditions:
TNF receptor-associated periodic fever syndrome (TRAPS) (FPF). Also called: FAMILIAL HIBERNIAN FEVER; TNF RECEPTOR-ASSOCIATED PERIODIC SYNDROME; TUMOR NECROSIS FACTOR RECEPTOR-ASSOCIATED PERIODIC SYNDROME; TNF receptor 1-associated periodic fever syndrome; TNF Receptor-Associated Periodic Fever Syndrome; Autosomal Dominant Familial Periodic Fever. Identifiers: Orphanet 32960, MedGen C1275126, MONDO:0007727, OMIM 142680.

Submission:

Labcorp Genetics (formerly Invitae), Labcorp
Classification: Uncertain significance for TNF receptor-associated periodic fever syndrome (TRAPS). Last evaluated: 2020-07-20. Review status: criteria provided, single submitter. Criteria: Invitae Variant Classification Sherloc (09022015). Collection method: clinical testing. Allele origin: germline.
Comment: This variant is not present in population databases (ExAC no frequency). This sequence change replaces threonine with lysine at codon 211 of the TNFRSF1A protein (p.Thr211Lys). The threonine residue is moderately conserved and there is a moderate physicochemical difference between threonine and lysine. This variant has not been reported in the literature in individuals with TNFRSF1A-related conditions. In summary, the available evidence is currently insufficient to determine the role of this variant in disease. Therefore, it has been classified as a Variant of Uncertain Significance. Algorithms developed to predict the effect of sequence changes on RNA splicing suggest that this variant may create or strengthen a splice site, but this prediction has not been confirmed by published transcriptional studies. Algorithms developed to predict the effect of missense changes on protein structure and function are either unavailable or do not agree on the potential impact of this missense change (SIFT: "Not Available"; PolyPhen-2: "Benign"; Align-GVGD: "Not Available").